The following is an entry in ClinVar:

ClinVar aggregate classification (germline): Uncertain significance (1 of 4 stars; one submission).

Submission:

Labcorp Genetics (formerly Invitae), Labcorp
Classification: Uncertain significance. Last evaluated: 2022-01-06. Review status: criteria provided, single submitter. Criteria: Invitae Variant Classification Sherloc (09022015). Collection method: clinical testing. Allele origin: germline.
Comment: In summary, the available evidence is currently insufficient to determine the role of this variant in disease. Therefore, it has been classified as a Variant of Uncertain Significance. ClinVar contains an entry for this variant (Variation ID: 1004140). This variant has not been reported in the literature in individuals affected with RBP3-related conditions. This variant is present in population databases (rs782126726, gnomAD 0.02%). This sequence change creates a premature translational stop signal (p.Val1211*) in the RBP3 gene. While this is not anticipated to result in nonsense mediated decay, it is expected to disrupt the last 37 amino acid(s) of the RBP3 protein.

NM_002900.3(RBP3):c.3631del (p.Gly1210_Val1211insTer)

Gene: RBP3 (retinol binding protein 3; plus strand). Cytogenetic location: 10q11.22.
Variant type: Deletion.
Coding change: c.3631del on transcript NM_002900.3 (MANE Select); coding-DNA position 3631, one base deleted (G; older notation c.3631delG).
Protein change: p.Gly1210_Val1211insTer.
Molecular consequence: nonsense.
Genome position (GRCh38, 1-based): chr10:47,357,344, G deleted; the last of 5 consecutive G bases (chr10:47,357,340-47,357,344); deleting any one gives the same sequence. VCF-style (leftmost placement, unchanged base first): chr10-47357339-TG-T. GRCh37 (hg19) VCF-style: chr10-48382017-AC-A.
Identifiers: ClinVar variation 1004140 (VCV001004140.6), dbSNP rs782126726, ClinGen allele CA5486999.